The following is an entry in ClinVar:

NM_012471.3(TRPC5):c.1581A>G (p.Val527=)

Gene: TRPC5 (transient receptor potential cation channel subfamily C member 5; minus strand). Cytogenetic location: Xq23.
Variant type: single nucleotide variant.
Coding change: c.1581A>G on transcript NM_012471.3 (MANE Select); coding-DNA position 1581, A replaced by G.
Protein change: p.Val527=; no amino-acid change (valine 527 retained).
Molecular consequence: synonymous variant.
Genome position (GRCh38, 1-based): chrX:111,847,233, T>C on the plus strand (A>G on the coding strand, the complement: TRPC5 is on the minus strand). VCF-style: chrX-111847233-T-C. GRCh37 (hg19) VCF-style: chrX-111090461-T-C.
Identifiers: ClinVar variation 4990109 (VCV004990109.1).
Genomic context (GRCh38, chrX:111,847,233, plus strand): 5'-GATAGCTCTGGTTTCATAATAGAAGTAAAGCTGGTTCAGTCCATTGGCAAAAGCTAGTAG[T>C]ACCAGGCAGTAGATAAAGAGGAATTTGAGGATATCAAGCAGCATGCGTCCCAAAGAGATC-3'
Protein context (NP_036603.1, residues 517-537): ILKFLFIYCL[Val527=]LLAFANGLNQ

ClinVar aggregate classification (germline): Likely benign (1 of 4 stars; one submission).

Conditions:
TRPC5-related disorder. Also called: TRPC5-related condition.

Submission:

PreventionGenetics, part of Exact Sciences
Classification: Likely benign for TRPC5-related condition. Last evaluated: 2026-04-30. Review status: criteria provided, single submitter. Criteria: ACMG Guidelines, 2015. Collection method: clinical testing. Allele origin: germline.
Comment: This variant is classified as likely benign based on ACMG/AMP sequence variant interpretation guidelines (Richards et al. 2015 PMID: 25741868, with internal and published modifications).